The following is an entry in ClinVar:

NM_006496.4(GNAI3):c.151A>G (p.Lys51Glu)

Gene: GNAI3 (G protein subunit alpha i3; plus strand). Cytogenetic location: 1p13.3.
Variant type: single nucleotide variant.
Coding change: c.151A>G on transcript NM_006496.4 (MANE Select); coding-DNA position 151, A replaced by G.
Protein change: p.Lys51Glu; replaces lysine 51 with glutamic acid.
Molecular consequence: missense variant.
Genome position (GRCh38, 1-based): chr1:109,573,769, A>G. VCF-style: chr1-109573769-A-G. GRCh37 (hg19) VCF-style: chr1-110116391-A-G.
Other names: short protein forms K51E.
Identifiers: ClinVar variation 4881585 (VCV004881585.2).

ClinVar aggregate classification (germline): Uncertain significance (1 of 4 stars; one submission).

Submission:

Dasa
Classification: Uncertain significance. Last evaluated: 2025-07-08. Review status: criteria provided, single submitter. Criteria: DASA Assertion Criteria. Collection method: clinical testing. Allele origin: germline.
Comment: NM_006496.4(GNAI3):c.151A>G (p.Lys51Glu) is a missense variant that results in the substitution of lysine with glutamic acid. This variant is absent from population databases. Computational prediction algorithms are consistent with a deleterious effect. The currently available literature and clinical evidence are not sufficient to establish a definitive association between this variant and the reported condition. Therefore, this variant is classified as a variant of uncertain significance.